The following is an entry in ClinVar:

ClinVar aggregate classification (germline): Pathogenic. Review status: criteria provided, multiple submitters, no conflicts (2 of 4 stars). 2 submissions from 2 submitters: Pathogenic (2). Last evaluated 2024-05-15.

Conditions:
DNA ligase IV deficiency. Identifiers: Orphanet 99812, MedGen C1847827, MONDO:0011686, OMIM 606593.

Submissions (2):

Labcorp Genetics (formerly Invitae), Labcorp
Classification: Pathogenic for DNA ligase IV deficiency. Last evaluated: 2024-05-15. Review status: criteria provided, single submitter. Criteria: Invitae Variant Classification Sherloc (09022015). Collection method: clinical testing. Allele origin: germline.
Comment: This sequence change creates a premature translational stop signal (p.Arg505Leufs*9) in the LIG4 gene. While this is not anticipated to result in nonsense mediated decay, it is expected to disrupt the last 407 amino acid(s) of the LIG4 protein. This variant is present in population databases (rs759838407, gnomAD 0.006%). This variant has not been reported in the literature in individuals affected with LIG4-related conditions. ClinVar contains an entry for this variant (Variation ID: 1338655). This variant disrupts a region of the LIG4 protein in which other variant(s) (p.Arg814*) have been determined to be pathogenic (PMID: 11779494, 16088910, 24123394, 25239263, 27063650, 27612988). This suggests that this is a clinically significant region of the protein, and that variants that disrupt it are likely to be disease-causing. For these reasons, this variant has been classified as Pathogenic.

Genetic Services Laboratory, University of Chicago
Classification: Pathogenic. Last evaluated: 2021-08-31. Review status: criteria provided, single submitter. Criteria: ACMG Guidelines, 2015. Collection method: clinical testing. Allele origin: germline. Affected: yes.
Comment: DNA sequence analysis of the LIG4 gene demonstrated a two base pair duplication in exon 2, c.1512_1513dup. This pathogenic sequence change results in an amino acid frameshift and creates a premature stop codon nine amino acids downstream of the duplication, p.Arg505Leufs*9. This pathogenic sequence change is predicted to result in an abnormal transcript, which may be degraded, or may lead to the production of a truncated LIG4 protein with potentially abnormal function. This sequence change has been described in the gnomAD database with a frequency of 0.0087% in the Latino/Admixed American subpopulation (dbSNP rs759838407). This pathogenic sequence change does not appear to have previously been described in individuals with LIG4-related disorders. Collectively, these evidences indicate that this sequence change is pathogenic, however functional studies have not been performed to prove this conclusively.

Literature cited by the submitters: PubMed 11779494 (cited by Labcorp Genetics (formerly Invitae), Labcorp); PubMed 16088910 (cited by Labcorp Genetics (formerly Invitae), Labcorp); PubMed 24123394 (cited by Labcorp Genetics (formerly Invitae), Labcorp); PubMed 25239263 (cited by Labcorp Genetics (formerly Invitae), Labcorp); PubMed 27063650 (cited by Labcorp Genetics (formerly Invitae), Labcorp); PubMed 27612988 (cited by Labcorp Genetics (formerly Invitae), Labcorp).

NM_206937.2(LIG4):c.1512_1513dup (p.Arg505fs)

Gene: LIG4 (DNA ligase 4; minus strand). Cytogenetic location: 13q33.3.
Variant type: Microsatellite.
Coding change: c.1512_1513dup on transcript NM_206937.2 (MANE Select); coding-DNA positions 1512 to 1513, 2 bases duplicated (TC; older notation c.1512_1513dupTC).
Protein change: p.Arg505fs; shifts the reading frame from arginine 505.
Molecular consequence: frameshift variant.
Genome position (GRCh38, 1-based): chr13:108,209,756-108,209,757, GA duplicated on the plus strand (TC on the coding strand, the reverse complement: LIG4 is on the minus strand); duplicating any 2 consecutive bases within chr13:108,209,756-108,209,764 gives the same sequence; the c. name uses the placement nearest the transcript's 3' end. VCF-style (leftmost placement, unchanged base first): chr13-108209755-C-CGA. GRCh37 (hg19) VCF-style: chr13-108862103-C-CGA.
Other names: c.1512_1513dup, p.Arg505fs (NM_001098268.2, NM_001352598.2, NM_001352599.2 and 6 more transcripts); c.1311_1312dup, p.Arg438fs (NM_001330595.2); c.1548_1549dup, p.Arg517fs (NM_001352604.2); short protein forms R505fs, R517fs, R438fs.
Identifiers: ClinVar variation 1338655 (VCV001338655.11), dbSNP rs759838407, ClinGen allele CA7043673.